The following is an entry in ClinVar:

ClinVar aggregate classification (germline): Uncertain significance (1 of 4 stars; one submission).

Conditions:
CHARGE syndrome (CHARGE). Also called: Hittner Hirsch Kreh syndrome; Coloboma, heart anomaly, choanal atresia, retardation, genital and ear anomalies; CHARGE association; Hall-Hittner syndrome; CHARGE ASSOCIATION--COLOBOMA, HEART ANOMALY, CHOANAL ATRESIA, RETARDATION, GENITAL AND EAR ANOMALIES. Identifiers: Orphanet 138, MedGen C0265354, MONDO:0008965.

Submission:

Labcorp Genetics (formerly Invitae), Labcorp
Classification: Uncertain significance for CHARGE syndrome. Last evaluated: 2020-01-28. Review status: criteria provided, single submitter. Criteria: Invitae Variant Classification Sherloc (09022015). Collection method: clinical testing. Allele origin: germline.
Comment: In summary, the available evidence is currently insufficient to determine the role of this variant in disease. Therefore, it has been classified as a Variant of Uncertain Significance. Algorithms developed to predict the effect of missense changes on protein structure and function (SIFT, PolyPhen-2, Align-GVGD) all suggest that this variant is likely to be tolerated, but these predictions have not been confirmed by published functional studies and their clinical significance is uncertain. This variant has not been reported in the literature in individuals with CHD7-related disease. This variant is not present in population databases (ExAC no frequency). This sequence change replaces glutamine with lysine at codon 288 of the CHD7 protein (p.Gln288Lys). The glutamine residue is highly conserved and there is a small physicochemical difference between glutamine and lysine.

NM_017780.4(CHD7):c.862C>A (p.Gln288Lys)

Gene: CHD7 (chromodomain helicase DNA binding protein 7; plus strand). Cytogenetic location: 8q12.2.
Variant type: single nucleotide variant.
Coding change: c.862C>A on transcript NM_017780.4 (MANE Select); coding-DNA position 862, C replaced by A.
Protein change: p.Gln288Lys; replaces glutamine 288 with lysine.
Molecular consequence: missense variant.
Genome position (GRCh38, 1-based): chr8:60,742,294, C>A. VCF-style: chr8-60742294-C-A. GRCh37 (hg19) VCF-style: chr8-61654853-C-A.
Other names: c.862C>A, p.Gln288Lys (NM_001316690.1); short protein forms Q288K.
Identifiers: ClinVar variation 572982 (VCV000572982.8), dbSNP rs1554581399, ClinGen allele CA371299770.